The following is an entry in ClinVar:

ClinVar aggregate classification (germline): Uncertain significance. Review status: criteria provided, multiple submitters, no conflicts (2 of 4 stars). 2 submissions from 2 submitters: Uncertain significance (2). Last evaluated 2025-02-03.

Conditions:
Fanconi anemia (FA). Also called: Fanconi's anemia. Identifiers: Orphanet 84, MedGen C0015625, MeSH D005199, MONDO:0019391.
Inborn genetic diseases. Identifiers: MedGen C0950123, MeSH D030342.

Submissions (2):

Ambry Genetics
Classification: Uncertain significance for Inborn genetic diseases. Last evaluated: 2025-02-03. Review status: criteria provided, single submitter. Criteria: Ambry Variant Classification Scheme 2023. Collection method: clinical testing. Allele origin: germline.
Comment: The p.T1168I variant (also known as c.3503C>T), located in coding exon 35 of the FANCA gene, results from a C to T substitution at nucleotide position 3503. The threonine at codon 1168 is replaced by isoleucine, an amino acid with similar properties. This amino acid position is conserved. In addition, this alteration is predicted to be tolerated by in silico analysis. Based on the available evidence, the clinical significance of this variant remains unclear.

Labcorp Genetics (formerly Invitae), Labcorp
Classification: Uncertain significance for Fanconi anemia. Last evaluated: 2023-01-01. Review status: criteria provided, single submitter. Criteria: Invitae Variant Classification Sherloc (09022015). Collection method: clinical testing. Allele origin: germline.
Comment: Advanced modeling of protein sequence and biophysical properties (such as structural, functional, and spatial information, amino acid conservation, physicochemical variation, residue mobility, and thermodynamic stability) performed at Invitae indicates that this missense variant is not expected to disrupt FANCA protein function. This variant has not been reported in the literature in individuals affected with FANCA-related conditions. This variant is not present in population databases (gnomAD no frequency). This sequence change replaces threonine, which is neutral and polar, with isoleucine, which is neutral and non-polar, at codon 1168 of the FANCA protein (p.Thr1168Ile). In summary, the available evidence is currently insufficient to determine the role of this variant in disease. Therefore, it has been classified as a Variant of Uncertain Significance.

NM_000135.4(FANCA):c.3503C>T (p.Thr1168Ile)

Gene: FANCA (FA complementation group A; minus strand). Cytogenetic location: 16q24.3.
Variant type: single nucleotide variant.
Coding change: c.3503C>T on transcript NM_000135.4 (MANE Select); coding-DNA position 3503, C replaced by T.
Protein change: p.Thr1168Ile; replaces threonine 1168 with isoleucine.
Molecular consequence: missense variant.
Genome position (GRCh38, 1-based): chr16:89,746,594, G>A on the plus strand (C>T on the coding strand, the complement: FANCA is on the minus strand). VCF-style: chr16-89746594-G-A. GRCh37 (hg19) VCF-style: chr16-89813002-G-A.
Other names: c.3503C>T, p.Thr1168Ile (NM_001286167.3); short protein forms T1168I.
Identifiers: ClinVar variation 2730934 (VCV002730934.4), dbSNP rs2143105810, ClinGen allele CA397485833.